The following is an entry in ClinVar:

ClinVar aggregate classification (germline): Uncertain significance (1 of 4 stars; one submission).

Conditions:
ATP11A-related disorder. Also called: ATP11A-related condition.

Submission:

PreventionGenetics, part of Exact Sciences
Classification: Uncertain significance for ATP11A-related condition. Last evaluated: 2026-03-23. Review status: criteria provided, single submitter. Criteria: ACMG Guidelines, 2015. Collection method: clinical testing. Allele origin: germline.
Comment: The ATP11A c.1372_1373delinsCT variant is predicted to result in an in-frame deletion and insertion. To our knowledge, this variant has not been reported in the literature or in a large population database (gnomAD), indicating this variant is rare. At this time, the clinical significance of this variant is uncertain due to the absence of conclusive functional and genetic evidence.

NM_015205.3(ATP11A):c.1372_1373delinsCT (p.Ser458Leu)

Gene: ATP11A (ATPase phospholipid transporting 11A; plus strand). Cytogenetic location: 13q34.
Variant type: Indel.
Coding change: c.1372_1373delinsCT on transcript NM_015205.3 (MANE Select); coding-DNA positions 1372 to 1373, TC replaced by CT.
Protein change: p.Ser458Leu; replaces serine 458 with leucine.
Molecular consequence: missense variant.
Genome position (GRCh38, 1-based): chr13:112,831,525-112,831,526, TC replaced by CT. VCF-style: chr13-112831525-TC-CT. GRCh37 (hg19) VCF-style: chr13-113485839-TC-CT.
Other names: c.1372_1373delinsCT, p.Ser458Leu (NM_001405661.1, NM_001405662.1, NM_001405663.1 and 1 more transcripts); short protein forms S458L.
Identifiers: ClinVar variation 2630479 (VCV002630479.2), dbSNP rs2501677092, ClinGen allele CA2695199782.